The following is an entry in ClinVar:

NM_000369.5(TSHR):c.1777del (p.Ala593fs)

Genes: TSHR-AS1 (TSHR antisense RNA 1; minus strand), TSHR (thyroid stimulating hormone receptor; plus strand). Cytogenetic location: 14q31.1.
Variant type: Deletion.
Coding change: c.1777del on transcript NM_000369.5 (MANE Select); coding-DNA position 1777, one base deleted (G; older notation c.1777delG).
Protein change: p.Ala593fs; shifts the reading frame from alanine 593.
Molecular consequence: frameshift variant.
Genome position (GRCh38, 1-based): chr14:81,143,835, G deleted. VCF-style (leftmost placement, unchanged base first): chr14-81143834-TG-T. GRCh37 (hg19) VCF-style: chr14-81610178-TG-T.
Other names: short protein forms A593fs.
Identifiers: ClinVar variation 1687384 (VCV001687384.1), dbSNP rs2140112570, ClinGen allele CA2573150196.
Genomic context (GRCh38, chr14:81,143,834, plus strand): 5'-GGACACCGAGACCCCTCTTGCTCTGGCATATATTGTTTTTGTTCTGACGCTCAACATAGT[TG>T]CCTTCGTCATCGTCTGCTGCTGTTATGTGAAGATCTACATCACAGTCCGAAATCCGCAGT-3'

ClinVar aggregate classification (germline): Likely pathogenic (1 of 4 stars; one submission).

Conditions:
Hypothyroidism due to TSH receptor mutations. Also called: HYPOTHYROIDISM DUE TO UNRESPONSIVENESS TO THYROTROPIN; HYPOTHYROIDISM, CONGENITAL, DUE TO TSH RESISTANCE; HYPOTHYROIDISM, NONAUTOIMMUNE; THYROID-STIMULATING HORMONE, RESISTANCE TO; TSH RESISTANCE; Hypothyroidism, congenital, nongoitrous, 1. Identifiers: Orphanet 90673, MedGen C3493776, MONDO:0010142, OMIM 275200.

Submission:

3billion
Classification: Likely pathogenic for Hypothyroidism due to TSH receptor mutations. Last evaluated: 2022-05-22. Review status: criteria provided, single submitter. Criteria: ACMG Guidelines, 2015. Collection method: clinical testing. Allele origin: germline. Affected: yes. Observed: 1 heterozygote.
Comment: The variant is not observed in the gnomAD v2.1.1 dataset. Frameshift: predicted to result in a loss or disruption of normal protein function through protein truncation. The predicted truncated protein may be shortened by more than 10%. Therefore, this variant is classified as likely pathogenic according to the recommendation of ACMG/AMP guideline.